The following is an entry in ClinVar:

ClinVar aggregate classification (germline): Conflicting classifications of pathogenicity. Review status: criteria provided, conflicting classifications (1 of 4 stars). 6 submissions from 6 submitters: Uncertain significance (5); Likely benign (1). Last evaluated 2025-08-30.

Conditions:
Tuberous sclerosis syndrome (TSC). Also called: Tuberous sclerosis; Tuberous Sclerosis Complex. Identifiers: Orphanet 805, MedGen C0041341, MONDO:0001734.
Tuberous sclerosis 2 (TSC2). Identifiers: Orphanet 805, MedGen C1860707, MONDO:0013199, OMIM 613254.
Hereditary cancer-predisposing syndrome. Also called: Neoplastic Syndromes, Hereditary; Tumor predisposition; Hereditary Cancer Syndrome; Hereditary neoplastic syndrome. Identifiers: Orphanet 140162, MedGen C0027672, MeSH D009386, MONDO:0015356.

Allele frequency attached by ClinVar (database versions not stated): gnomAD exomes below 0.00001; TOPMed below 0.00001; gnomAD 0.00001; 1000 Genomes Project 30x 0.00016.
gnomAD v4.1: 2 of 1,612,538 alleles (0.00012%); highest among the groups gnomAD compares: African/African-American, 0.0027%; no homozygotes.

Submissions (6):

Ambry Genetics
Classification: Uncertain significance for Hereditary cancer-predisposing syndrome. Last evaluated: 2025-08-30. Review status: criteria provided, single submitter. Criteria: Ambry Variant Classification Scheme 2023. Collection method: clinical testing. Allele origin: germline.

Labcorp Genetics (formerly Invitae), Labcorp
Classification: Likely benign for Tuberous sclerosis 2. Last evaluated: 2025-08-11. Review status: criteria provided, single submitter. Criteria: Invitae Variant Classification Sherloc (09022015). Collection method: clinical testing. Allele origin: germline.

All of Us Research Program, National Institutes of Health
Classification: Uncertain significance for Tuberous sclerosis syndrome. Last evaluated: 2024-09-23. Review status: criteria provided, single submitter. Criteria: ACMG Guidelines, 2015. Collection method: clinical testing. Allele origin: germline. Inheritance: Autosomal dominant inheritance. Observed: 1 variant allele, 1 heterozygote.
Comment: This study involves interpretation of variants in research participants for the purpose of population health screening. Participant phenotype was not available at the time of variant classification. Additional details can be found in publication PMID: 35346344, PMCID: PMC8962531

GeneDx
Classification: Uncertain significance. Last evaluated: 2023-01-26. Review status: criteria provided, single submitter. Criteria: GeneDx Variant Classification Process June 2021. Collection method: clinical testing. Allele origin: germline. Affected: yes.
Comment: Not observed at significant frequency in large population cohorts (gnomAD); In silico analysis supports that this missense variant does not alter protein structure/function; Has not been previously published as pathogenic or benign to our knowledge; In silico analysis suggests this variant may impact gene splicing. In the absence of RNA/functional studies, the actual effect of this sequence change is unknown

Genome-Nilou Lab
Classification: Uncertain significance for Tuberous sclerosis 2. Last evaluated: 2021-11-07. Review status: criteria provided, single submitter. Criteria: ACMG Guidelines, 2015. Collection method: clinical testing. Allele origin: germline. Affected: no.

Blueprint Genetics
Classification: Uncertain significance. Last evaluated: 2020-07-13. Review status: criteria provided, single submitter. Criteria: ACMG Guidelines, 2015. Collection method: clinical testing. Allele origin: germline.

NM_000548.5(TSC2):c.3817G>A (p.Ala1273Thr)

Gene: TSC2 (TSC complex subunit 2; plus strand). Cytogenetic location: 16p13.3.
Variant type: single nucleotide variant.
Coding change: c.3817G>A on transcript NM_000548.5 (MANE Select); coding-DNA position 3817, G replaced by A.
Protein change: p.Ala1273Thr; replaces alanine 1273 with threonine.
Molecular consequence: missense variant. On other transcripts: intron variant (6).
Genome position (GRCh38, 1-based): chr16:2,082,438, G>A. VCF-style: chr16-2082438-G-A. GRCh37 (hg19) VCF-style: chr16-2132439-G-A.
Other names: c.3085G>A, p.Ala1029Thr (NM_001318831.2); c.3685G>A, p.Ala1229Thr (NM_001370404.1); c.3688G>A, p.Ala1230Thr (NM_001370405.1, NM_021055.3); c.3814+640G>A (NM_001114382.3); c.3685+640G>A (NM_001363528.2); c.3682+640G>A (NM_001077183.3); c.3574+640G>A (NM_001318827.2); c.3538+640G>A (NM_001318829.2); and 1 more; short protein forms A1029T, A1229T, A1273T, A1230T.
Identifiers: ClinVar variation 824256 (VCV000824256.23), dbSNP rs1596404280, ClinGen allele CA394294776.